The following is an entry in ClinVar:

ClinVar aggregate classification (germline): Pathogenic (1 of 4 stars; one submission).

Conditions:
Malignant tumor of breast. Also called: Malignant breast neoplasm; Cancer breast. Identifiers: MedGen C0006142, MONDO:0007254. Disease mechanism: loss of function.

Submission:

Women's Health and Genetics/Laboratory Corporation of America, LabCorp
Classification: Pathogenic for Malignant tumor of breast. Last evaluated: 2022-02-18. Review status: criteria provided, single submitter. Criteria: LabCorp Variant Classification Summary - May 2015. Collection method: clinical testing. Allele origin: germline.
Comment: Variant summary: The variant identified by MLPA or other technology involves the deletion of exons 34-38 in the ATM gene. A presumed nomenclature of c.(5005+1_5006-1)_(5762+1_5763-1)del has been designated for the purposes of this classification. Although exact breakpoints of this deletion are not known, it is expected to result in a frameshift in the ATM gene, a known mechanism of disease. The variant was absent in 21680 control chromosomes. c.(5005+1_5006-1)_(5762+1_5763-1)del has been reported in the literature in at least one individual affected with Breast Cancer (Bandeira_2021). To our knowledge, no experimental evidence demonstrating an impact on protein function has been reported. No clinical diagnostic laboratories have submitted clinical-significance assessments for this variant to ClinVar after 2014. Based on the evidence outlined above, the variant was classified as pathogenic.

Literature cited by the submitters: PubMed 32986223.

NC_000011.9:g.(108168110_108170440)_(108178712_108180886)del

Gene: ATM (ATM serine/threonine kinase; plus strand). Cytogenetic location: 11q22.3.
Variant type: Deletion.
Identifiers: ClinVar variation 1343490 (VCV001343490.2).